The following is an entry in ClinVar:

ClinVar aggregate classification (germline): Uncertain significance (1 of 4 stars; one submission).

gnomAD v4.1: 29 of 1,577,972 alleles (0.0018%); highest among the groups gnomAD compares: Non-Finnish European, 0.0024%; no homozygotes.

Submission:

Women's Health and Genetics/Laboratory Corporation of America, LabCorp
Classification: Uncertain significance. Last evaluated: 2025-05-20. Review status: criteria provided, single submitter. Criteria: LabCorp Variant Classification Summary - May 2015. Collection method: clinical testing. Allele origin: germline.
Comment: Variant summary: ATP2A2 c.117C>T (p.Asn39Asn) alters a conserved nucleotide located close to a canonical splice site and therefore could affect mRNA splicing, leading to a significantly altered protein sequence. Consensus agreement among computation tools predict no significant impact on normal splicing. However, these predictions have yet to be confirmed by functional studies. The frequency data for this variant in gnomAD is considered unreliable, as metrics indicate poor data quality at this position. To our knowledge, no occurrence of c.117C>T in individuals affected with ATP2A2-Related Disorders and no experimental evidence demonstrating its impact on protein function have been reported. No submitters have cited clinical-significance assessments for this variant to ClinVar. Based on the evidence outlined above, the variant was classified as uncertain significance.

NM_170665.4(ATP2A2):c.117C>T (p.Asn39=)

Gene: ATP2A2 (ATPase sarcoplasmic/endoplasmic reticulum Ca2+ transporting 2; plus strand). Cytogenetic location: 12q24.11.
Variant type: single nucleotide variant.
Coding change: c.117C>T on transcript NM_170665.4 (MANE Select); coding-DNA position 117, C replaced by T.
Protein change: p.Asn39=; no amino-acid change (asparagine 39 retained).
Molecular consequence: synonymous variant. On other transcripts: intron variant (1).
Genome position (GRCh38, 1-based): chr12:110,281,906, C>T. VCF-style: chr12-110281906-C-T. GRCh37 (hg19) VCF-style: chr12-110719711-C-T.
Other names: c.117C>T, p.Asn39= (NM_001413013.1, NM_001413014.1, NM_001681.4); c.-257-698C>T (NM_001413015.1).
Identifiers: ClinVar variation 3902091 (VCV003902091.1).